The following is an entry in ClinVar:

NM_021076.4(NEFH):c.2296G>A (p.Ala766Thr)

Gene: NEFH (neurofilament heavy chain; plus strand). Cytogenetic location: 22q12.2.
Variant type: single nucleotide variant.
Coding change: c.2296G>A on transcript NM_021076.4 (MANE Select); coding-DNA position 2296, G replaced by A.
Protein change: p.Ala766Thr; replaces alanine 766 with threonine.
Molecular consequence: missense variant.
Genome position (GRCh38, 1-based): chr22:29,489,936, G>A. VCF-style: chr22-29489936-G-A. GRCh37 (hg19) VCF-style: chr22-29885925-G-A.
Other names: short protein forms A766T.
Identifiers: ClinVar variation 4075590 (VCV004075590.1).
Genomic context (GRCh38, chr22:29,489,936, plus strand): 5'-TCCCCAGAGAAGGCCAAGTCCCCAGAGAAGGCCAAGACTCTTGATGTGAAGTCTCCAGAA[G>A]CCAAGACTCCAGCGAAGGAGGAAGCAAGGTCCCCTGCAGACAAATTCCCTGAAAAGGCCA-3'
Protein context (NP_066554.2, residues 756-776): AKTLDVKSPE[Ala766Thr]KTPAKEEARS

ClinVar aggregate classification (germline): Uncertain significance (1 of 4 stars; one submission).

Submission:

GeneDx
Classification: Uncertain significance. Last evaluated: 2025-02-18. Review status: criteria provided, single submitter. Criteria: GeneDx Variant Classification Process June 2021. Collection method: clinical testing. Allele origin: germline. Affected: yes.
Comment: Not observed at significant frequency in large population cohorts (gnomAD); In silico analysis indicates that this missense variant does not alter protein structure/function; Has not been previously published as pathogenic or benign to our knowledge